The following is an entry in ClinVar:

ClinVar aggregate classification (germline): Uncertain significance (1 of 4 stars; one submission).

Conditions:
Inborn genetic diseases. Identifiers: MedGen C0950123, MeSH D030342.

Submission:

Ambry Genetics
Classification: Uncertain significance for Inborn genetic diseases. Last evaluated: 2026-06-22. Review status: criteria provided, single submitter. Criteria: Ambry Variant Classification Scheme 2023. Collection method: clinical testing. Allele origin: germline.
Comment: The p.L371V variant (also known as c.1111C>G), located in coding exon 9 of the FANCG gene, results from a C to G substitution at nucleotide position 1111. The leucine at codon 371 is replaced by valine, an amino acid with highly similar properties. This amino acid position is conserved. In addition, this alteration is predicted to be tolerated by in silico analysis. Based on the available evidence, the clinical significance of this variant remains unclear.

NM_004629.2(FANCG):c.1111C>G (p.Leu371Val)

Gene: FANCG (FA complementation group G; minus strand). Cytogenetic location: 9p13.3.
Variant type: single nucleotide variant.
Coding change: c.1111C>G on transcript NM_004629.2 (MANE Select); coding-DNA position 1111, C replaced by G.
Protein change: p.Leu371Val; replaces leucine 371 with valine.
Molecular consequence: missense variant.
Genome position (GRCh38, 1-based): chr9:35,075,994, G>C on the plus strand (C>G on the coding strand, the complement: FANCG is on the minus strand). VCF-style: chr9-35075994-G-C. GRCh37 (hg19) VCF-style: chr9-35075991-G-C.
Other names: short protein forms L371V.
Identifiers: ClinVar variation 5036497 (VCV005036497.1).